The following is an entry in ClinVar:

NM_032383.5(HPS3):c.1291del (p.Leu431fs)

Gene: HPS3 (HPS3 biogenesis of lysosomal organelles complex 2 subunit 1; plus strand). Cytogenetic location: 3q24.
Variant type: Deletion.
Coding change: c.1291del on transcript NM_032383.5 (MANE Select); coding-DNA position 1291, one base deleted (C; older notation c.1291delC).
Protein change: p.Leu431fs; shifts the reading frame from leucine 431.
Molecular consequence: frameshift variant.
Genome position (GRCh38, 1-based): chr3:149,153,539, C deleted. VCF-style (leftmost placement, unchanged base first): chr3-149153538-GC-G. GRCh37 (hg19) VCF-style: chr3-148871325-GC-G.
Other names: c.796del, p.Leu266fs (NM_001308258.2); short protein forms L266fs, L431fs.
Identifiers: ClinVar variation 2676093 (VCV002676093.2), dbSNP rs2108152647, ClinGen allele CA2586973125.

ClinVar aggregate classification (germline): Pathogenic. Review status: criteria provided, multiple submitters, no conflicts (2 of 4 stars). 2 submissions from 2 submitters: Pathogenic (2). Last evaluated 2024-05-14.

Conditions:
Hermansky-Pudlak syndrome 3 (HPS3). Identifiers: Orphanet 231512, Orphanet 79430, MedGen C3888001, MONDO:0013555, OMIM 614072.

Allele frequency attached by ClinVar (database versions not stated): gnomAD exomes 0.00001.

Submissions (2):

Myriad Genetics, Inc.
Classification: Pathogenic for Hermansky-Pudlak syndrome 3. Last evaluated: 2024-05-14. Review status: criteria provided, single submitter. Criteria: Myriad Autosomal Dominant, Autosomal Recessive and X-Linked Classification Criteria (2023). Collection method: clinical testing. Allele origin: unknown.
Comment: NM_032383.3(HPS3):c.1291delC(L431Ffs*3) is expected to be pathogenic in the context of Hermansky-Pudlak syndrome, HPS3-related. This variant is predicted to lead to an abnormal or absent protein product due to the creation of a premature termination codon in HPS3, a gene where loss-of-function variants are known to be pathogenic. Please note: this variant was assessed in the context of healthy population screening.

Baylor Genetics
Classification: Pathogenic for Hermansky-Pudlak syndrome 3. Last evaluated: 2022-12-12. Review status: criteria provided, single submitter. Criteria: ACMG Guidelines, 2015. Collection method: clinical testing. Allele origin: unknown.